The following is an entry in ClinVar:

ClinVar aggregate classification (germline): Uncertain significance (1 of 4 stars; one submission).

Submission:

Labcorp Genetics (formerly Invitae), Labcorp
Classification: Uncertain significance. Last evaluated: 2022-10-13. Review status: criteria provided, single submitter. Criteria: Invitae Variant Classification Sherloc (09022015). Collection method: clinical testing. Allele origin: germline.
Comment: A copy number gain of the genomic region encompassing the full coding sequence of the SLC30A10 gene has been identified. The boundaries of this event are unknown as they extend beyond the assayed region for this gene and therefore may encompass additional genes. As the precise location of this event is unknown, it may be in tandem or it may be located elsewhere in the genome. This variant has not been reported in the literature in individuals affected with SLC30A10-related conditions. In summary, the available evidence is currently insufficient to determine the role of this variant in disease. Therefore, it has been classified as a Variant of Uncertain Significance.

NC_000001.10:g.(?_220088791)_(220101782_?)dup

Gene: SLC30A10 (solute carrier family 30 member 10; minus strand). Cytogenetic location: 1q41.
Variant type: Duplication.
Identifiers: ClinVar variation 2426497 (VCV002426497.3).